The following is an entry in ClinVar:

ClinVar aggregate classification (germline): Likely pathogenic (1 of 4 stars; one submission).

Submission:

Labcorp Genetics (formerly Invitae), Labcorp
Classification: Likely pathogenic. Last evaluated: 2022-09-19. Review status: criteria provided, single submitter. Criteria: Invitae Variant Classification Sherloc (09022015). Collection method: clinical testing. Allele origin: germline.
Comment: This sequence change replaces proline, which is neutral and non-polar, with leucine, which is neutral and non-polar, at codon 4450 of the USH2A protein (p.Pro4450Leu). This variant is not present in population databases (gnomAD no frequency). ClinVar contains an entry for this variant (Variation ID: 1363042). This missense change has been observed in individuals with USH2A-related conditions (Invitae). In summary, the currently available evidence indicates that the variant is pathogenic, but additional data are needed to prove that conclusively. Therefore, this variant has been classified as Likely Pathogenic. This variant disrupts the p.Pro4450 amino acid residue in USH2A. Other variant(s) that disrupt this residue have been determined to be pathogenic (PMID: 31736247; Invitae). This suggests that this residue is clinically significant, and that variants that disrupt this residue are likely to be disease-causing. Algorithms developed to predict the effect of missense changes on protein structure and function (SIFT, PolyPhen-2, Align-GVGD) all suggest that this variant is likely to be disruptive.

Literature cited by the submitters: PubMed 31736247.

NM_206933.4(USH2A):c.13349C>T (p.Pro4450Leu)

Gene: USH2A (usherin; minus strand). Cytogenetic location: 1q41.
Variant type: single nucleotide variant.
Coding change: c.13349C>T on transcript NM_206933.4 (MANE Select); coding-DNA position 13349, C replaced by T.
Protein change: p.Pro4450Leu; replaces proline 4450 with leucine.
Molecular consequence: missense variant.
Genome position (GRCh38, 1-based): chr1:215,674,562, G>A on the plus strand (C>T on the coding strand, the complement: USH2A is on the minus strand). VCF-style: chr1-215674562-G-A. GRCh37 (hg19) VCF-style: chr1-215847904-G-A.
Other names: short protein forms P4450L.
Identifiers: ClinVar variation 1363042 (VCV001363042.8), dbSNP rs2102665385, ClinGen allele CA344845600.